The following is an entry in ClinVar:

ClinVar aggregate classification (germline): Uncertain significance (1 of 4 stars; one submission).

Conditions:
Progressive familial intrahepatic cholestasis type 2. Identifiers: Orphanet 79304, MedGen C3489789, MONDO:0011156, OMIM 601847.

Submission:

Diagnostics Services (NGS), CSIR - Centre For Cellular And Molecular Biology
Classification: Uncertain significance for Progressive familial intrahepatic cholestasis type 2. Last evaluated: 2025-02-14. Review status: criteria provided, single submitter. Criteria: ACMG Guidelines, 2015. Collection method: clinical testing. Allele origin: germline. Affected: yes. Observed: 1 variant allele, 1 homozygote.
Comment: The c.1706T>C variant is not present in publicly available population databases like 1000 Genomes, gnomAD, EVS, Indian Exome Database or our internal database. This variant has neither been published in literature in individuals affected with ABCB11-related conditions nor reported to the clinical databases like Human Genome Mutation Database (HGMD), ClinVar or OMIM, in any affected individuals. In-silico pathogenicity prediction programs like SIFT, Polyphen-2, MutationTaster2021, CADD, Franklin, Varsome etc predicted this variant to be likely deleterious however these predictions were not confirmed by published functional studies.

NM_003742.4(ABCB11):c.1706T>C (p.Ile569Thr)

Gene: ABCB11 (ATP binding cassette subfamily B member 11; minus strand). Cytogenetic location: 2q31.1.
Variant type: single nucleotide variant.
Coding change: c.1706T>C on transcript NM_003742.4 (MANE Select); coding-DNA position 1706, T replaced by C.
Protein change: p.Ile569Thr; replaces isoleucine 569 with threonine.
Molecular consequence: missense variant.
Genome position (GRCh38, 1-based): chr2:168,970,148, A>G on the plus strand (T>C on the coding strand, the complement: ABCB11 is on the minus strand). VCF-style: chr2-168970148-A-G. GRCh37 (hg19) VCF-style: chr2-169826658-A-G.
Other names: short protein forms I569T.
Identifiers: ClinVar variation 3767975 (VCV003767975.1).